The following is an entry in ClinVar:

ClinVar aggregate classification (germline): Uncertain significance. Review status: criteria provided, multiple submitters, no conflicts (2 of 4 stars). 2 submissions from 2 submitters: Uncertain significance (2). Last evaluated 2025-01-21.

Conditions:
Inborn genetic diseases. Identifiers: MedGen C0950123, MeSH D030342.
Primary ciliary dyskinesia. Also called: Ciliary dyskinesia. Identifiers: Orphanet 244, MedGen C0008780, MONDO:0016575, HP:0012265.

Allele frequency attached by ClinVar (database versions not stated): gnomAD 0.00002; gnomAD exomes 0.00002; TOPMed 0.00002; ExAC 0.00004.
gnomAD v4.1: 76 of 1,613,964 alleles (0.0047%); highest among the groups gnomAD compares: Non-Finnish European, 0.0059%; no homozygotes.

Submissions (2):

Ambry Genetics
Classification: Uncertain significance for Inborn genetic diseases. Last evaluated: 2025-01-21. Review status: criteria provided, single submitter. Criteria: Ambry Variant Classification Scheme 2023. Collection method: clinical testing. Allele origin: germline.

Labcorp Genetics (formerly Invitae), Labcorp
Classification: Uncertain significance for Primary ciliary dyskinesia. Last evaluated: 2021-08-27. Review status: criteria provided, single submitter. Criteria: Invitae Variant Classification Sherloc (09022015). Collection method: clinical testing. Allele origin: germline.
Comment: This sequence change replaces arginine with glutamine at codon 736 of the DRC1 protein (p.Arg736Gln). The arginine residue is weakly conserved and there is a small physicochemical difference between arginine and glutamine. This variant is present in population databases (rs761603781, ExAC 0.009%). This variant has not been reported in the literature in individuals affected with DRC1-related conditions. Algorithms developed to predict the effect of missense changes on protein structure and function output the following: SIFT: "Tolerated"; PolyPhen-2: "Benign"; Align-GVGD: "Class C0". The glutamine amino acid residue is found in multiple mammalian species, which suggests that this missense change does not adversely affect protein function. Algorithms developed to predict the effect of sequence changes on RNA splicing suggest that this variant may create or strengthen a splice site. In summary, the available evidence is currently insufficient to determine the role of this variant in disease. Therefore, it has been classified as a Variant of Uncertain Significance.

NM_145038.5(DRC1):c.2207G>A (p.Arg736Gln)

Gene: DRC1 (dynein regulatory complex subunit 1; plus strand). Cytogenetic location: 2p23.3.
Variant type: single nucleotide variant.
Coding change: c.2207G>A on transcript NM_145038.5 (MANE Select); coding-DNA position 2207, G replaced by A.
Protein change: p.Arg736Gln; replaces arginine 736 with glutamine.
Molecular consequence: missense variant.
Genome position (GRCh38, 1-based): chr2:26,456,501, G>A. VCF-style: chr2-26456501-G-A. GRCh37 (hg19) VCF-style: chr2-26679369-G-A.
Other names: c.2207G>A (NM_145038.2); short protein forms R736Q.
Identifiers: ClinVar variation 454987 (VCV000454987.9), dbSNP rs761603781, ClinGen allele CA1562584.
Genomic context (GRCh38, chr2:26,456,501, plus strand): 5'-TTTCACCCTTTCTTTTCCAGATCAACTCTGAACTGCAAGTTCCTCCCACTCAGGTGTTGC[G>A]GGTACCCACAAAATGAGCTGGACCGCCAAAGGCTGATGTGTTAGGGCTGGCCTGATGCTG-3'
Protein context (NP_659475.2, residues 726-740): ELQVPPTQVL[Arg736Gln]VPTK